The following is an entry in ClinVar:

ClinVar aggregate classification (germline): Uncertain significance (1 of 4 stars; one submission).

Submission:

Labcorp Genetics (formerly Invitae), Labcorp
Classification: Uncertain significance. Last evaluated: 2023-10-20. Review status: criteria provided, single submitter. Criteria: Invitae Variant Classification Sherloc (09022015). Collection method: clinical testing. Allele origin: germline.
Comment: This sequence change replaces alanine, which is neutral and non-polar, with threonine, which is neutral and polar, at codon 103 of the FH protein (p.Ala103Thr). This variant is not present in population databases (gnomAD no frequency). This variant has not been reported in the literature in individuals affected with FH-related conditions. Advanced modeling of protein sequence and biophysical properties (such as structural, functional, and spatial information, amino acid conservation, physicochemical variation, residue mobility, and thermodynamic stability) has been performed at Invitae for this missense variant, however the output from this modeling did not meet the statistical confidence thresholds required to predict the impact of this variant on FH protein function. In summary, the available evidence is currently insufficient to determine the role of this variant in disease. Therefore, it has been classified as a Variant of Uncertain Significance.

NM_000143.4(FH):c.307G>A (p.Ala103Thr)

Gene: FH (fumarate hydratase; minus strand). Cytogenetic location: 1q43.
Variant type: single nucleotide variant.
Coding change: c.307G>A on transcript NM_000143.4 (MANE Select); coding-DNA position 307, G replaced by A.
Protein change: p.Ala103Thr; replaces alanine 103 with threonine.
Molecular consequence: missense variant.
Genome position (GRCh38, 1-based): chr1:241,513,674, C>T on the plus strand (G>A on the coding strand, the complement: FH is on the minus strand). VCF-style: chr1-241513674-C-T. GRCh37 (hg19) VCF-style: chr1-241676974-C-T.
Other names: short protein forms A103T.
Identifiers: ClinVar variation 2770209 (VCV002770209.3), dbSNP rs2527335256, ClinGen allele CA345440844.